The following is an entry in ClinVar:

ClinVar aggregate classification (germline): Uncertain significance (1 of 4 stars; one submission).

Submission:

GeneDx
Classification: Uncertain significance. Last evaluated: 2024-06-06. Review status: criteria provided, single submitter. Criteria: GeneDx Variant Classification Process June 2021. Collection method: clinical testing. Allele origin: germline. Affected: yes.
Comment: Not observed at significant frequency in large population cohorts (gnomAD); In silico analysis supports that this missense variant has a deleterious effect on protein structure/function; Has not been previously published as pathogenic or benign to our knowledge

NM_000719.7(CACNA1C):c.4105A>G (p.Met1369Val)

Gene: CACNA1C (calcium voltage-gated channel subunit alpha1 C; plus strand). Cytogenetic location: 12p13.33.
Variant type: single nucleotide variant.
Coding change: c.4105A>G on transcript NM_000719.7 (MANE Select); coding-DNA position 4105, A replaced by G.
Protein change: p.Met1369Val; replaces methionine 1369 with valine.
Molecular consequence: missense variant.
Genome position (GRCh38, 1-based): chr12:2,653,865, A>G. VCF-style: chr12-2653865-A-G. GRCh37 (hg19) VCF-style: chr12-2763031-A-G.
Other names: c.4249A>G, p.Met1417Val (NM_001129827.2, NM_199460.4); c.4171A>G, p.Met1391Val (NM_001129829.2); c.4105A>G, p.Met1369Val (NM_001129830.3, NM_001129833.2, NM_001129834.2 and 7 more transcripts); c.4189A>G, p.Met1397Val (NM_001129831.2); c.4165A>G, p.Met1389Val (NM_001129832.2); c.4156A>G, p.Met1386Val (NM_001129836.2); c.4072A>G, p.Met1358Val (NM_001129837.2, NM_001129838.2, NM_001129846.2 and 1 more transcripts); c.4066A>G, p.Met1356Val (NM_001129839.2); and 1 more; short protein forms M1356V, M1358V, M1366V, M1369V, M1386V, M1389V, M1391V, M1397V.
Identifiers: ClinVar variation 3384489 (VCV003384489.1).